The following is an entry in ClinVar:

NM_001355436.2(SPTB):c.4899G>A (p.Val1633=)

Gene: SPTB (spectrin beta, erythrocytic; minus strand). Cytogenetic location: 14q23.3.
Variant type: single nucleotide variant.
Coding change: c.4899G>A on transcript NM_001355436.2 (MANE Select); coding-DNA position 4899, G replaced by A.
Protein change: p.Val1633=; no amino-acid change (valine 1633 retained).
Molecular consequence: synonymous variant.
Genome position (GRCh38, 1-based): chr14:64,774,471, C>T on the plus strand (G>A on the coding strand, the complement: SPTB is on the minus strand). VCF-style: chr14-64774471-C-T. GRCh37 (hg19) VCF-style: chr14-65241189-C-T.
Other names: p.Val1633=; c.4899G>A, p.Val1633= (NM_001024858.4, NM_001355437.2).
Identifiers: ClinVar variation 4683878 (VCV004683878.1).

ClinVar aggregate classification (germline): Likely benign (1 of 4 stars; one submission).

Submission:

Mayo Clinic Laboratories, Mayo Clinic
Classification: Likely benign. Last evaluated: 2024-12-05. Review status: criteria provided, single submitter. Criteria: ACMG Guidelines, 2015. Collection method: clinical testing. Allele origin: germline. Observed: 1 variant allele.
Comment: BP4, BP7